The following is an entry in ClinVar:

NM_016148.5(SHANK1):c.475C>T (p.Arg159Ter)

Gene: SHANK1 (SH3 and multiple ankyrin repeat domains 1; minus strand). Cytogenetic location: 19q13.33.
Variant type: single nucleotide variant.
Coding change: c.475C>T on transcript NM_016148.5 (MANE Select); coding-DNA position 475, C replaced by T.
Protein change: p.Arg159Ter; replaces arginine 159 with a stop codon.
Molecular consequence: nonsense.
Genome position (GRCh38, 1-based): chr19:50,715,715, G>A on the plus strand (C>T on the coding strand, the complement: SHANK1 is on the minus strand). VCF-style: chr19-50715715-G-A. GRCh37 (hg19) VCF-style: chr19-51218972-G-A.
Other names: short protein forms R159*.
Identifiers: ClinVar variation 5016853 (VCV005016853.1).

ClinVar aggregate classification (germline): Pathogenic (1 of 4 stars; one submission).

Submission:

GeneDx
Classification: Pathogenic. Last evaluated: 2026-03-26. Review status: criteria provided, single submitter. Criteria: GeneDx Variant Classification Process June 2021. Collection method: clinical testing. Allele origin: germline.
Comment: Nonsense variant predicted to result in protein truncation or nonsense mediated decay in a gene for which loss of function is a known mechanism of disease; Not observed at significant frequency in large population cohorts (gnomAD); Has not been previously published as pathogenic or benign to our knowledge